The following is an entry in ClinVar:

NM_000191.3(HMGCL):c.528T>A (p.Tyr176Ter)

Gene: HMGCL (3-hydroxy-3-methylglutaryl-CoA lyase; minus strand). Cytogenetic location: 1p36.11.
Variant type: single nucleotide variant.
Coding change: c.528T>A on transcript NM_000191.3 (MANE Select); coding-DNA position 528, T replaced by A.
Protein change: p.Tyr176Ter; replaces tyrosine 176 with a stop codon.
Molecular consequence: nonsense. On other transcripts: intron variant (1).
Genome position (GRCh38, 1-based): chr1:23,810,769, A>T on the plus strand (T>A on the coding strand, the complement: HMGCL is on the minus strand). VCF-style: chr1-23810769-A-T. GRCh37 (hg19) VCF-style: chr1-24137259-A-T.
Other names: c.349-2446T>A (NM_001166059.2); short protein forms Y176*.
Identifiers: ClinVar variation 557442 (VCV000557442.8), dbSNP rs112508527, ClinGen allele CA686063.

ClinVar aggregate classification (germline): Pathogenic/Likely pathogenic. Review status: criteria provided, multiple submitters, no conflicts (2 of 4 stars). 4 submissions from 4 submitters: Pathogenic (1); Likely pathogenic (2). 1 of the submissions does not count toward it. Last evaluated 2024-08-16.

Conditions:
Deficiency of hydroxymethylglutaryl-CoA lyase (HMGCLD). Also called: Defect in leucine metabolism; 3-hydroxy-3-methylglutaric aciduria; HMGCL DEFICIENCY; HYDROXYMETHYLGLUTARIC ACIDURIA; HMG-CoA LYASE DEFICIENCY. Identifiers: Orphanet 20, MedGen C1533587, MONDO:0009520, OMIM 246450.
Long chain 3-hydroxyacyl-CoA dehydrogenase deficiency. Also called: Deficiency of long-chain 3-hydroxyacyl-coenzyme A dehydrogenase; LCHAD Deficiency. Identifiers: Orphanet 5, MedGen C3711645, MONDO:0012173, OMIM 609016.

gnomAD v4.1: 6 of 1,613,926 alleles (0.00037%); highest among the groups gnomAD compares: African/African-American, 0.0067%; no homozygotes.

Submissions (4):

Natera, Inc.
Classification: Likely pathogenic for Deficiency of long-chain 3-hydroxyacyl-coenzyme A dehydrogenase. Last evaluated: 2024-08-16. Review status: criteria provided, single submitter. Criteria: Natera Variant Classification Schema (03/2026). Collection method: clinical testing. Allele origin: germline.
Comment: The c.528T>A variant in HMGCL is a nonsense variant predicted to introduce a stop codon at amino acid 176. This variant is expected to result in nonsense mediated decay, truncation, or a dysfunctional protein product. This variant is rare in the general population with a frequency below the threshold expected for the associated phenotype(s). Given the available evidence, this variant is classified as Likely Pathogenic.

Baylor Genetics
Classification: Likely pathogenic for Deficiency of hydroxymethylglutaryl-CoA lyase. Last evaluated: 2023-11-23. Review status: criteria provided, single submitter. Criteria: ACMG Guidelines, 2015. Collection method: clinical testing. Allele origin: unknown.

Labcorp Genetics (formerly Invitae), Labcorp
Classification: Pathogenic for Deficiency of hydroxymethylglutaryl-CoA lyase. Last evaluated: 2023-11-21. Review status: criteria provided, single submitter. Criteria: Invitae Variant Classification Sherloc (09022015). Collection method: clinical testing. Allele origin: germline.
Comment: This sequence change creates a premature translational stop signal (p.Tyr176*) in the HMGCL gene. It is expected to result in an absent or disrupted protein product. Loss-of-function variants in HMGCL are known to be pathogenic (PMID: 9817922, 17692550, 23465862). This variant is present in population databases (rs112508527, gnomAD 0.008%). This variant has not been reported in the literature in individuals affected with HMGCL-related conditions. ClinVar contains an entry for this variant (Variation ID: 557442). For these reasons, this variant has been classified as Pathogenic.

Counsyl
Classification: Likely pathogenic for Deficiency of hydroxymethylglutaryl-CoA lyase. Last evaluated: 2018-03-30. Review status: no assertion criteria provided. Collection method: clinical testing. Allele origin: unknown. Not counted in ClinVar's aggregate classification.

Literature cited by the submitters: PubMed 9817922 (cited by Labcorp Genetics (formerly Invitae), Labcorp); PubMed 17692550 (cited by Labcorp Genetics (formerly Invitae), Labcorp); PubMed 23465862 (cited by Labcorp Genetics (formerly Invitae), Labcorp).